The following is an entry in ClinVar:

NM_001035.3(RYR2):c.10503_10505delinsTGC (p.Glu3502Ala)

Gene: RYR2 (ryanodine receptor 2; plus strand). Cytogenetic location: 1q43.
Variant type: Indel.
Coding change: c.10503_10505delinsTGC on transcript NM_001035.3 (MANE Select); coding-DNA positions 10503 to 10505, CGA replaced by TGC.
Protein change: p.Glu3502Ala; replaces glutamic acid 3502 with alanine.
Molecular consequence: missense variant.
Genome position (GRCh38, 1-based): chr1:237,718,470-237,718,472, CGA replaced by TGC. VCF-style: chr1-237718470-CGA-TGC. GRCh37 (hg19) VCF-style: chr1-237881770-CGA-TGC.
Other names: short protein forms E3502A.
Identifiers: ClinVar variation 4158433 (VCV004158433.2).
Genomic context (GRCh38, chr1:237,718,470, plus strand): 5'-GACAGTTGATGCAATAGAAGACTCCTTTTAGGTAACATATATTTCTTGACAGAAAGATAC[CGA>TGC]GGATGAAGTACGAGATATAATCCGCAGCAATATTCATTTACAAGGCAAGGTAAGCCAAAT-3'
Protein context (NP_001026.2, residues 3492-3512): AKNRFSLKDT[Glu3502Ala]DEVRDIIRSN

ClinVar aggregate classification (germline): Uncertain significance. Review status: criteria provided, multiple submitters, no conflicts (2 of 4 stars). 2 submissions from 2 submitters: Uncertain significance (2). Last evaluated 2025-09-18.

Conditions:
Cardiomyopathy (CMYO). Also called: Cardiomyopathies. Identifiers: Orphanet 167848, MedGen C0878544, MONDO:0004994, HP:0001638. Inheritance: Various modes of inheritance.
Cardiovascular phenotype. Identifiers: MedGen CN230736.

Submissions (2):

Color Diagnostics, LLC DBA Color Health
Classification: Uncertain significance for Cardiomyopathy. Last evaluated: 2025-09-18. Review status: criteria provided, single submitter. Criteria: ACMG Guidelines, 2015. Collection method: clinical testing. Allele origin: germline.
Comment: This missense variant replaces glutamic acid with alanine at codon 3502 of the RYR2 protein. Computational prediction suggests that this variant may not impact protein structure and function. To our knowledge, functional studies have not been reported for this variant. This variant has not been reported in individuals affected with RYR2-related disorders in the literature. This variant has not been identified in the general population by the Genome Aggregation Database (gnomAD). The available evidence is insufficient to determine the role of this variant in disease conclusively. Therefore, this variant is classified as a Variant of Uncertain Significance.

Ambry Genetics
Classification: Uncertain significance for Cardiovascular phenotype. Last evaluated: 2025-07-28. Review status: criteria provided, single submitter. Criteria: Ambry Variant Classification Scheme 2023. Collection method: clinical testing. Allele origin: germline.
Comment: The c.10503_10505delCGAinsTGC variant, located in coding exon 73 of the RYR2 gene, results from an in-frame deletion of CGA and insertion of TGC at nucleotide positions 10503 to 10505. This results in the substitution of the glutamic acid residue for an alanine residue at codon 3502, an amino acid with dissimilar properties. This amino acid position is well conserved in available vertebrate species. In addition, the in silico prediction for this alteration is inconclusive. Based on the available evidence, the clinical significance of this variant remains unclear.